The following is an entry in ClinVar:

NM_001165963.4(SCN1A):c.252T>A (p.Tyr84Ter)

Gene: SCN1A (sodium voltage-gated channel alpha subunit 1; minus strand). Cytogenetic location: 2q24.3.
Variant type: single nucleotide variant.
Coding change: c.252T>A on transcript NM_001165963.4 (MANE Select); coding-DNA position 252, T replaced by A.
Protein change: p.Tyr84Ter; replaces tyrosine 84 with a stop codon.
Molecular consequence: nonsense. On other transcripts: 5 prime UTR variant (1), non-coding transcript variant (1).
Genome position (GRCh38, 1-based): chr2:166,073,370, A>T on the plus strand (T>A on the coding strand, the complement: SCN1A is on the minus strand). VCF-style: chr2-166073370-A-T. GRCh37 (hg19) VCF-style: chr2-166929880-A-T.
Other names: c.252T>A, p.Tyr84Ter (NM_001165964.3, NM_001202435.3, NM_001353948.2 and 10 more transcripts); c.-2174T>A (NM_001353961.2); short protein forms Y84*.
Identifiers: ClinVar variation 1074787 (VCV001074787.30), dbSNP rs2105982029, ClinGen allele CA349242651.

ClinVar aggregate classification (germline): Pathogenic. Review status: criteria provided, multiple submitters, no conflicts (2 of 4 stars). 2 submissions from 2 submitters: Pathogenic (2). Last evaluated 2023-06-01.

Conditions:
Developmental and epileptic encephalopathy. Identifiers: MedGen C5779964, MONDO:0100620.

Submissions (2):

CeGaT Center for Human Genetics Tuebingen
Classification: Pathogenic. Last evaluated: 2023-06-01. Review status: criteria provided, single submitter. Criteria: CeGaT Center For Human Genetics Tuebingen Variant Classification Criteria Version 2. Collection method: clinical testing. Allele origin: germline. Affected: yes. Observed: 1 variant allele.
Comment: SCN1A: PVS1, PM2

Labcorp Genetics (formerly Invitae), Labcorp
Classification: Pathogenic for Early-infantile DEE. Last evaluated: 2020-10-25. Review status: criteria provided, single submitter. Criteria: Invitae Variant Classification Sherloc (09022015). Collection method: clinical testing. Allele origin: germline.
Comment: This sequence change creates a premature translational stop signal (p.Tyr84*) in the SCN1A gene. It is expected to result in an absent or disrupted protein product. Loss-of-function variants in SCN1A are known to be pathogenic (PMID: 17347258, 18930999). This variant is not present in population databases (ExAC no frequency). This variant has not been reported in the literature in individuals with SCN1A-related conditions. For these reasons, this variant has been classified as Pathogenic.

Literature cited by the submitters: PubMed 17347258 (cited by Labcorp Genetics (formerly Invitae), Labcorp); PubMed 18930999 (cited by Labcorp Genetics (formerly Invitae), Labcorp).